The following is an entry in ClinVar:

ClinVar aggregate classification (germline): Pathogenic (1 of 4 stars; one submission).

Conditions:
Fanconi anemia (FA). Also called: Fanconi's anemia. Identifiers: Orphanet 84, MedGen C0015625, MeSH D005199, MONDO:0019391.

Submission:

Labcorp Genetics (formerly Invitae), Labcorp
Classification: Pathogenic for Fanconi anemia. Last evaluated: 2022-06-22. Review status: criteria provided, single submitter. Criteria: Invitae Variant Classification Sherloc (09022015). Collection method: clinical testing. Allele origin: germline.
Comment: For these reasons, this variant has been classified as Pathogenic. This variant has not been reported in the literature in individuals affected with FANCG-related conditions. This variant is not present in population databases (gnomAD no frequency). This sequence change creates a premature translational stop signal (p.Glu275Aspfs*31) in the FANCG gene. It is expected to result in an absent or disrupted protein product. Loss-of-function variants in FANCG are known to be pathogenic (PMID: 12552564).

Literature cited by the submitters: PubMed 12552564.

NM_004629.2(FANCG):c.825_828del (p.Glu275fs)

Gene: FANCG (FA complementation group G; minus strand). Cytogenetic location: 9p13.3.
Variant type: Deletion.
Coding change: c.825_828del on transcript NM_004629.2 (MANE Select); coding-DNA positions 825 to 828, 4 bases deleted (GGGA; older notation c.825_828delGGGA).
Protein change: p.Glu275fs; shifts the reading frame from glutamic acid 275.
Molecular consequence: frameshift variant.
Genome position (GRCh38, 1-based): chr9:35,076,820-35,076,823, TCCC deleted on the plus strand (GGGA on the coding strand, the reverse complement: FANCG is on the minus strand); deleting any 4 consecutive bases within chr9:35,076,820-35,076,825 gives the same sequence; the c. name uses the placement nearest the transcript's 3' end. VCF-style (leftmost placement, unchanged base first): chr9-35076819-ATCCC-A. GRCh37 (hg19) VCF-style: chr9-35076816-ATCCC-A.
Other names: short protein forms E275fs.
Identifiers: ClinVar variation 2008902 (VCV002008902.4), dbSNP rs2490402695, ClinGen allele CA2580080493.